The following is an entry in ClinVar:

ClinVar aggregate classification (germline): Uncertain significance (1 of 4 stars; one submission).

Submission:

Labcorp Genetics (formerly Invitae), Labcorp
Classification: Uncertain significance. Last evaluated: 2023-11-27. Review status: criteria provided, single submitter. Criteria: Invitae Variant Classification Sherloc (09022015). Collection method: clinical testing. Allele origin: germline.
Comment: This sequence change falls in intron 12 of the ST14 gene. It does not directly change the encoded amino acid sequence of the ST14 protein. It affects a nucleotide within the consensus splice site. This variant is not present in population databases (gnomAD no frequency). This variant has not been reported in the literature in individuals affected with ST14-related conditions. ClinVar contains an entry for this variant (Variation ID: 2091891). Variants that disrupt the consensus splice site are a relatively common cause of aberrant splicing (PMID: 17576681, 9536098). Algorithms developed to predict the effect of sequence changes on RNA splicing suggest that this variant may disrupt the consensus splice site. In summary, the available evidence is currently insufficient to determine the role of this variant in disease. Therefore, it has been classified as a Variant of Uncertain Significance.

Literature cited by the submitters: PubMed 17576681; PubMed 9536098.

NM_021978.4(ST14):c.1459+5G>A

Gene: ST14 (ST14 transmembrane serine protease matriptase; plus strand). Cytogenetic location: 11q24.3.
Variant type: single nucleotide variant.
Coding change: c.1459+5G>A on transcript NM_021978.4 (MANE Select); 5 bases into the intron after coding-DNA position 1459, G replaced by A.
Molecular consequence: intron variant.
Genome position (GRCh38, 1-based): chr11:130,197,950, G>A. VCF-style: chr11-130197950-G-A. GRCh37 (hg19) VCF-style: chr11-130067845-G-A.
Identifiers: ClinVar variation 2091891 (VCV002091891.4), dbSNP rs2540757960, ClinGen allele CA2580083831.